The following is an entry in ClinVar:

ClinVar aggregate classification (germline): Likely pathogenic (1 of 4 stars; one submission).

Conditions:
Microcephaly 18, primary, autosomal dominant (MCPH18). Identifiers: MedGen C4479608, MONDO:0054593, OMIM 617520.

Submission:

Laboratorio de Genetica e Diagnostico Molecular, Hospital Israelita Albert Einstein
Classification: Likely pathogenic for Microcephaly 18, primary, autosomal dominant. Last evaluated: 2025-03-21. Review status: criteria provided, single submitter. Criteria: ACMG Guidelines, 2015. Collection method: clinical testing. Allele origin: germline. Affected: yes.
Comment: ACMG classification criteria: PVS1 very strong, PM2 supporting

NM_014991.6(WDFY3):c.4037T>A (p.Leu1346Ter)

Gene: WDFY3 (WD repeat and FYVE domain containing 3; minus strand). Cytogenetic location: 4q21.23.
Variant type: single nucleotide variant.
Coding change: c.4037T>A on transcript NM_014991.6 (MANE Select); coding-DNA position 4037, T replaced by A.
Protein change: p.Leu1346Ter; replaces leucine 1346 with a stop codon.
Molecular consequence: nonsense.
Genome position (GRCh38, 1-based): chr4:84,786,004, A>T on the plus strand (T>A on the coding strand, the complement: WDFY3 is on the minus strand). VCF-style: chr4-84786004-A-T. GRCh37 (hg19) VCF-style: chr4-85707157-A-T.
Other names: short protein forms L1346*.
Identifiers: ClinVar variation 4076314 (VCV004076314.1).
Genomic context (GRCh38, chr4:84,786,004, plus strand): 5'-TCAGCCATAGTACACCAAGAAATCATTCTGCTTACCTGCTTAGCAATGGCTTTGCTATCC[A>T]ATTTGTTATACACTTTCCGGATTCTTGCCACTGTTAGAGACGACACAGAGAGTGCATAGA-3'